The following is an entry in ClinVar:

NM_001613.4(ACTA2):c.991-288A>G

Genes: ACTA2 (actin alpha 2, smooth muscle; minus strand), ACTA2-AS1 (ACTA2 antisense RNA 1; plus strand). Cytogenetic location: 10q23.31.
Variant type: single nucleotide variant.
Coding change: c.991-288A>G on transcript NM_001613.4 (MANE Select); 288 bases into the intron before coding-DNA position 991, A replaced by G.
Molecular consequence: intron variant.
Genome position (GRCh38, 1-based): chr10:88,935,654, T>C on the plus strand (A>G on the coding strand, the complement: ACTA2 is on the minus strand). VCF-style: chr10-88935654-T-C. GRCh37 (hg19) VCF-style: chr10-90695411-T-C.
Other names: c.862-288A>G (NM_001406467.1, NM_001406468.1, NM_001406469.1); c.991-288A>G (NM_001320855.2, NM_001406462.1, NM_001141945.3 and 2 more transcripts); c.799-288A>G (NM_001406471.1); c.880-288A>G (NM_001406466.1).
Identifiers: ClinVar variation 680518 (VCV000680518.4), dbSNP rs41284106, ClinGen allele CA13198407.
Genomic context (GRCh38, chr10:88,935,654, plus strand): 5'-CACCTGTAACTCTTCGACCACATTATTGAGCAAACTGAAAGTTGGCTCCAAATCCAGCCA[T>C]GGCCCCCACTTAAGAACCCTGGCAATGCCTCTGATTTCCATGAACTCTGCCTCAGAATTC-3'

ClinVar aggregate classification (germline): Benign. Review status: criteria provided, multiple submitters, no conflicts (2 of 4 stars). 2 submissions from 2 submitters: Benign (2). Last evaluated 2018-06-14.

Allele frequency attached by ClinVar (database versions not stated): 1000 Genomes Project 0.05272; 1000 Genomes Project 30x 0.05559; TOPMed 0.09315; gnomAD exomes 0.11306.
gnomAD v4.1: 39,585 of 376,436 alleles (11%); highest among the groups gnomAD compares: Non-Finnish European, 15%; 2,556 homozygotes.

Submissions (2):

GeneDx
Classification: Benign. Last evaluated: 2018-06-14. Review status: criteria provided, single submitter. Criteria: GeneDx Variant Classification (06012015). Collection method: clinical testing. Allele origin: germline. Affected: yes.
Comment: This variant is considered likely benign or benign based on one or more of the following criteria: it is a conservative change, it occurs at a poorly conserved position in the protein, it is predicted to be benign by multiple in silico algorithms, and/or has population frequency not consistent with disease.

Breakthrough Genomics
Classification: Benign. Review status: criteria provided, single submitter. Criteria: ACMG Guidelines, 2015. Collection method: not provided. Allele origin: germline. Inheritance: Autosomal dominant inheritance. Affected: yes.